The following is an entry in ClinVar:

NM_001737.5(C9):c.1462C>T (p.His488Tyr)

Gene: C9 (complement C9; minus strand). Cytogenetic location: 5p13.1.
Variant type: single nucleotide variant.
Coding change: c.1462C>T on transcript NM_001737.5 (MANE Select); coding-DNA position 1462, C replaced by T.
Protein change: p.His488Tyr; replaces histidine 488 with tyrosine.
Molecular consequence: missense variant.
Genome position (GRCh38, 1-based): chr5:39,288,906, G>A on the plus strand (C>T on the coding strand, the complement: C9 is on the minus strand). VCF-style: chr5-39288906-G-A. GRCh37 (hg19) VCF-style: chr5-39289008-G-A.
Other names: short protein forms H488Y.
Identifiers: ClinVar variation 1961352 (VCV001961352.3), dbSNP rs1753040628, ClinGen allele CA359619438.

ClinVar aggregate classification (germline): Uncertain significance. Review status: criteria provided, multiple submitters, no conflicts (2 of 4 stars). 2 submissions from 2 submitters: Uncertain significance (2). Last evaluated 2025-08-09.

Conditions:
Inborn genetic diseases. Identifiers: MedGen C0950123, MeSH D030342.

Allele frequency attached by ClinVar (database versions not stated): gnomAD exomes below 0.00001.
gnomAD v4.1: 1 of 1,611,196 alleles (0.000062%); highest among the groups gnomAD compares: Non-Finnish European, 0.000085%; no homozygotes.

Submissions (2):

Ambry Genetics
Classification: Uncertain significance for Inborn genetic diseases. Last evaluated: 2025-08-09. Review status: criteria provided, single submitter. Criteria: Ambry Variant Classification Scheme 2023. Collection method: clinical testing. Allele origin: germline.

Labcorp Genetics (formerly Invitae), Labcorp
Classification: Uncertain significance. Last evaluated: 2021-12-25. Review status: criteria provided, single submitter. Criteria: Invitae Variant Classification Sherloc (09022015). Collection method: clinical testing. Allele origin: germline.
Comment: This sequence change replaces histidine, which is basic and polar, with tyrosine, which is neutral and polar, at codon 488 of the C9 protein (p.His488Tyr). This variant is not present in population databases (gnomAD no frequency). This variant has not been reported in the literature in individuals affected with C9-related conditions. Algorithms developed to predict the effect of missense changes on protein structure and function output the following: SIFT: "Not Available"; PolyPhen-2: "Benign"; Align-GVGD: "Not Available". The tyrosine amino acid residue is found in multiple mammalian species, which suggests that this missense change does not adversely affect protein function. In summary, the available evidence is currently insufficient to determine the role of this variant in disease. Therefore, it has been classified as a Variant of Uncertain Significance.